The following is an entry in ClinVar:

ClinVar aggregate classification (germline): Uncertain significance (1 of 4 stars; one submission).

Conditions:
Chédiak-Higashi syndrome (CHS). Also called: Chediak-Higashi Syndrome. Identifiers: Orphanet 167, MedGen C0007965, MONDO:0008963, OMIM 214500.

gnomAD v4.1: 15 of 1,613,678 alleles (0.00093%); highest among the groups gnomAD compares: Non-Finnish European, 0.0013%; no homozygotes.

Submission:

Labcorp Genetics (formerly Invitae), Labcorp
Classification: Uncertain significance for Chédiak-Higashi syndrome. Last evaluated: 2024-10-21. Review status: criteria provided, single submitter. Criteria: Invitae Variant Classification Sherloc (09022015). Collection method: clinical testing. Allele origin: germline.
Comment: This sequence change replaces leucine, which is neutral and non-polar, with proline, which is neutral and non-polar, at codon 1100 of the LYST protein (p.Leu1100Pro). This variant is present in population databases (no rsID available, gnomAD 0.002%). This variant has not been reported in the literature in individuals affected with LYST-related conditions. Invitae Evidence Modeling of protein sequence and biophysical properties (such as structural, functional, and spatial information, amino acid conservation, physicochemical variation, residue mobility, and thermodynamic stability) indicates that this missense variant is not expected to disrupt LYST protein function with a negative predictive value of 80%. In summary, the available evidence is currently insufficient to determine the role of this variant in disease. Therefore, it has been classified as a Variant of Uncertain Significance.

NM_000081.4(LYST):c.3299T>C (p.Leu1100Pro)

Gene: LYST (lysosomal trafficking regulator; minus strand). Cytogenetic location: 1q42.3.
Variant type: single nucleotide variant.
Coding change: c.3299T>C on transcript NM_000081.4 (MANE Select); coding-DNA position 3299, T replaced by C.
Protein change: p.Leu1100Pro; replaces leucine 1100 with proline.
Molecular consequence: missense variant.
Genome position (GRCh38, 1-based): chr1:235,805,837, A>G on the plus strand (T>C on the coding strand, the complement: LYST is on the minus strand). VCF-style: chr1-235805837-A-G. GRCh37 (hg19) VCF-style: chr1-235969137-A-G.
Other names: c.3299T>C, p.Leu1100Pro (NM_001301365.1); short protein forms L1100P.
Identifiers: ClinVar variation 3685296 (VCV003685296.2).